The following is an entry in ClinVar:

NM_001849.4(COL6A2):c.453G>C (p.Lys151Asn)

Gene: COL6A2 (collagen type VI alpha 2 chain; plus strand). Cytogenetic location: 21q22.3.
Variant type: single nucleotide variant.
Coding change: c.453G>C on transcript NM_001849.4 (MANE Select); coding-DNA position 453, G replaced by C.
Protein change: p.Lys151Asn; replaces lysine 151 with asparagine.
Molecular consequence: missense variant.
Genome position (GRCh38, 1-based): chr21:46,112,316, G>C. VCF-style: chr21-46112316-G-C. GRCh37 (hg19) VCF-style: chr21-47532230-G-C.
Other names: c.453G>C, p.Lys151Asn (NM_058174.3, NM_058175.3); short protein forms K151N.
Identifiers: ClinVar variation 2815396 (VCV002815396.3), dbSNP rs370214939, ClinGen allele CA10071295.

ClinVar aggregate classification (germline): Uncertain significance (1 of 4 stars; one submission).

Conditions:
Bethlem myopathy 1A. Also called: Bethlem myopathy 1; MYOPATHY, BENIGN CONGENITAL, WITH CONTRACTURES; Bethlem Muscular Dystrophy. Identifiers: Orphanet 610, MedGen CN029274, MONDO:0024530, OMIM 158810.

Allele frequency attached by ClinVar (database versions not stated): ExAC 0.00001; ESP Exome Variant Server 0.00008.

Submission:

Labcorp Genetics (formerly Invitae), Labcorp
Classification: Uncertain significance for Bethlem myopathy 1A. Last evaluated: 2023-03-29. Review status: criteria provided, single submitter. Criteria: Invitae Variant Classification Sherloc (09022015). Collection method: clinical testing. Allele origin: germline.
Comment: In summary, the available evidence is currently insufficient to determine the role of this variant in disease. Therefore, it has been classified as a Variant of Uncertain Significance. Advanced modeling of protein sequence and biophysical properties (such as structural, functional, and spatial information, amino acid conservation, physicochemical variation, residue mobility, and thermodynamic stability) performed at Invitae indicates that this missense variant is not expected to disrupt COL6A2 protein function. This variant has not been reported in the literature in individuals affected with COL6A2-related conditions. This variant is present in population databases (rs370214939, gnomAD 0.0009%). This sequence change replaces lysine, which is basic and polar, with asparagine, which is neutral and polar, at codon 151 of the COL6A2 protein (p.Lys151Asn).